The following is an entry in ClinVar:

NM_001018113.3(FANCB):c.440T>C (p.Val147Ala)

Gene: FANCB (FA complementation group B; minus strand). Cytogenetic location: Xp22.2.
Variant type: single nucleotide variant.
Coding change: c.440T>C on transcript NM_001018113.3 (MANE Select); coding-DNA position 440, T replaced by C.
Protein change: p.Val147Ala; replaces valine 147 with alanine.
Molecular consequence: missense variant.
Genome position (GRCh38, 1-based): chrX:14,865,071, A>G on the plus strand (T>C on the coding strand, the complement: FANCB is on the minus strand). VCF-style: chrX-14865071-A-G. GRCh37 (hg19) VCF-style: chrX-14883193-A-G.
Other names: c.440T>C, p.Val147Ala (NM_001324162.2, NM_152633.4); short protein forms V147A.
Identifiers: ClinVar variation 1007764 (VCV001007764.6), dbSNP rs757074045, ClinGen allele CA10353205.

ClinVar aggregate classification (germline): Uncertain significance (1 of 4 stars; one submission).

Conditions:
Fanconi anemia (FA). Also called: Fanconi's anemia. Identifiers: Orphanet 84, MedGen C0015625, MeSH D005199, MONDO:0019391.

Allele frequency attached by ClinVar (database versions not stated): gnomAD 0.00001; gnomAD exomes 0.00001 and below 0.00001; TOPMed 0.00001; ExAC 0.00001.
gnomAD v4.1: 6 of 1,208,684 alleles (0.0005%); highest among the groups gnomAD compares: East Asian, 0.018%; no homozygotes.

Submission:

Labcorp Genetics (formerly Invitae), Labcorp
Classification: Uncertain significance for Fanconi anemia. Last evaluated: 2025-03-22. Review status: criteria provided, single submitter. Criteria: Invitae Variant Classification Sherloc (09022015). Collection method: clinical testing. Allele origin: germline.
Comment: This sequence change replaces valine, which is neutral and non-polar, with alanine, which is neutral and non-polar, at codon 147 of the FANCB protein (p.Val147Ala). This variant is present in population databases (rs757074045, gnomAD 0.02%). This missense change has been observed in individual(s) with transposition of the great arteries and/or aplastic anemia (PMID: 32410215, 36622392). ClinVar contains an entry for this variant (Variation ID: 1007764). Invitae Evidence Modeling of protein sequence and biophysical properties (such as structural, functional, and spatial information, amino acid conservation, physicochemical variation, residue mobility, and thermodynamic stability) indicates that this missense variant is not expected to disrupt FANCB protein function with a negative predictive value of 80%. In summary, the available evidence is currently insufficient to determine the role of this variant in disease. Therefore, it has been classified as a Variant of Uncertain Significance.

Literature cited by the submitters: PubMed 32410215; PubMed 36622392.